The following is an entry in ClinVar:

NM_002381.5(MATN3):c.31C>T (p.Pro11Ser)

Gene: MATN3 (matrilin 3; minus strand). Cytogenetic location: 2p24.1.
Variant type: single nucleotide variant.
Coding change: c.31C>T on transcript NM_002381.5 (MANE Select); coding-DNA position 31, C replaced by T.
Protein change: p.Pro11Ser; replaces proline 11 with serine.
Molecular consequence: missense variant.
Genome position (GRCh38, 1-based): chr2:20,012,601, G>A on the plus strand (C>T on the coding strand, the complement: MATN3 is on the minus strand). VCF-style: chr2-20012601-G-A. GRCh37 (hg19) VCF-style: chr2-20212362-G-A.
Other names: short protein forms P11S.
Identifiers: ClinVar variation 3618692 (VCV003618692.3).

ClinVar aggregate classification (germline): Uncertain significance. Review status: criteria provided, multiple submitters, no conflicts (2 of 4 stars). 2 submissions from 2 submitters: Uncertain significance (2). Last evaluated 2024-02-10.

gnomAD v4.1: 28 of 1,221,986 alleles (0.0023%); highest among the groups gnomAD compares: Non-Finnish European, 0.0025%; no homozygotes.

Submissions (2):

Labcorp Genetics (formerly Invitae), Labcorp
Classification: Uncertain significance. Last evaluated: 2024-02-10. Review status: criteria provided, single submitter. Criteria: Invitae Variant Classification Sherloc (09022015). Collection method: clinical testing. Allele origin: germline.
Comment: This sequence change replaces proline, which is neutral and non-polar, with serine, which is neutral and polar, at codon 11 of the MATN3 protein (p.Pro11Ser). This variant is present in population databases (no rsID available, gnomAD 0.007%). This variant has not been reported in the literature in individuals affected with MATN3-related conditions. Algorithms developed to predict the effect of missense changes on protein structure and function output the following: SIFT: "Not Available"; PolyPhen-2: "Not Available"; Align-GVGD: "Not Available". The serine amino acid residue is found in multiple mammalian species, which suggests that this missense change does not adversely affect protein function. In summary, the available evidence is currently insufficient to determine the role of this variant in disease. Therefore, it has been classified as a Variant of Uncertain Significance.

Blueprint Genetics
Classification: Uncertain significance. Last evaluated: 2023-06-14. Review status: criteria provided, single submitter. Criteria: ACMG Guidelines, 2015. Collection method: clinical testing. Allele origin: germline.